The following is an entry in ClinVar:

ClinVar aggregate classification (germline): Uncertain significance (1 of 4 stars; one submission).

Conditions:
VWF-related disorder. Also called: VWF-related disorders; VWF-related condition.

gnomAD v4.1: 3 of 1,613,552 alleles (0.00019%); highest among the groups gnomAD compares: Non-Finnish European, 0.00025%; no homozygotes.

Submission:

PreventionGenetics, part of Exact Sciences
Classification: Uncertain significance for VWF-related condition. Last evaluated: 2024-12-24. Review status: criteria provided, single submitter. Criteria: ACMG Guidelines, 2015. Collection method: clinical testing. Allele origin: germline.
Comment: The VWF c.1589A>C variant is predicted to result in the amino acid substitution p.Asn530Thr. To our knowledge, this variant has not been reported in the literature or in a large population database (gnomAD), indicating this variant is rare. At this time, the clinical significance of this variant is uncertain due to the absence of conclusive functional and genetic evidence.

NM_000552.5(VWF):c.1589A>C (p.Asn530Thr)

Gene: VWF (von Willebrand factor; minus strand). Cytogenetic location: 12p13.31.
Variant type: single nucleotide variant.
Coding change: c.1589A>C on transcript NM_000552.5 (MANE Select); coding-DNA position 1589, A replaced by C.
Protein change: p.Asn530Thr; replaces asparagine 530 with threonine.
Molecular consequence: missense variant.
Genome position (GRCh38, 1-based): chr12:6,057,989, T>G on the plus strand (A>C on the coding strand, the complement: VWF is on the minus strand). VCF-style: chr12-6057989-T-G. GRCh37 (hg19) VCF-style: chr12-6167155-T-G.
Other names: short protein forms N530T.
Identifiers: ClinVar variation 5001729 (VCV005001729.1).